The following is an entry in ClinVar:

ClinVar aggregate classification (germline): Uncertain significance. Review status: criteria provided, multiple submitters, no conflicts (2 of 4 stars). 2 submissions from 2 submitters: Uncertain significance (2). Last evaluated 2024-12-11.

Conditions:
Hereditary cancer-predisposing syndrome. Also called: Hereditary neoplastic syndrome; Neoplastic Syndromes, Hereditary; Hereditary Cancer Syndrome; Tumor predisposition. Identifiers: Orphanet 140162, MedGen C0027672, MeSH D009386, MONDO:0015356.
Familial adenomatous polyposis 1 (FAP1). Also called: POLYPOSIS, ADENOMATOUS INTESTINAL; FAMILIAL ADENOMATOUS POLYPOSIS 1, ATTENUATED. Identifiers: MedGen C2713442, MONDO:0021056, OMIM 175100. Disease mechanism: loss of function.

Submissions (2):

Ambry Genetics
Classification: Uncertain significance for Hereditary cancer-predisposing syndrome. Last evaluated: 2024-12-11. Review status: criteria provided, single submitter. Criteria: Ambry Variant Classification Scheme 2023. Collection method: clinical testing. Allele origin: germline.
Comment: The p.R904G variant (also known as c.2710A>G), located in coding exon 15 of the APC gene, results from an A to G substitution at nucleotide position 2710. The arginine at codon 904 is replaced by glycine, an amino acid with dissimilar properties. This amino acid position is well conserved in available vertebrate species. In addition, in silico predictors for this gene do not accurately predict pathogenicity. Missense alterations in APC are not a common cause of disease (Spier I et al. Genet Med. 2024 Feb;26(2):100992). Based on the available evidence, the clinical significance of this variant remains unclear.

Labcorp Genetics (formerly Invitae), Labcorp
Classification: Uncertain significance for Familial adenomatous polyposis 1. Last evaluated: 2023-06-30. Review status: criteria provided, single submitter. Criteria: Invitae Variant Classification Sherloc (09022015). Collection method: clinical testing. Allele origin: germline.
Comment: In summary, the available evidence is currently insufficient to determine the role of this variant in disease. Therefore, it has been classified as a Variant of Uncertain Significance. This sequence change replaces arginine, which is basic and polar, with glycine, which is neutral and non-polar, at codon 904 of the APC protein (p.Arg904Gly). This variant is not present in population databases (gnomAD no frequency). This variant has not been reported in the literature in individuals affected with APC-related conditions. ClinVar contains an entry for this variant (Variation ID: 659376). Advanced modeling of protein sequence and biophysical properties (such as structural, functional, and spatial information, amino acid conservation, physicochemical variation, residue mobility, and thermodynamic stability) performed at Invitae indicates that this missense variant is not expected to disrupt APC protein function.

NM_000038.6(APC):c.2710A>G (p.Arg904Gly)

Gene: APC (APC regulator of Wnt signaling pathway; plus strand). Cytogenetic location: 5q22.2.
Variant type: single nucleotide variant.
Coding change: c.2710A>G on transcript NM_000038.6 (MANE Select); coding-DNA position 2710, A replaced by G.
Protein change: p.Arg904Gly; replaces arginine 904 with glycine.
Molecular consequence: missense variant.
Genome position (GRCh38, 1-based): chr5:112,838,304, A>G. VCF-style: chr5-112838304-A-G. GRCh37 (hg19) VCF-style: chr5-112174001-A-G.
Other names: c.2710A>G, p.Arg904Gly (NM_001127510.3, NM_001354895.2); c.2656A>G, p.Arg886Gly (NM_001127511.3); c.2764A>G, p.Arg922Gly (NM_001354896.2); c.2740A>G, p.Arg914Gly (NM_001354897.2); c.2635A>G, p.Arg879Gly (NM_001354898.2); c.2626A>G, p.Arg876Gly (NM_001354899.2); c.2587A>G, p.Arg863Gly (NM_001354900.2); c.2533A>G, p.Arg845Gly (NM_001354901.2); and 5 more; short protein forms R904G, R621G, R744G, R813G, R863G, R876G, R778G, R803G.
Identifiers: ClinVar variation 659376 (VCV000659376.15), dbSNP rs1580626072, ClinGen allele CA16027246.
Genomic context (GRCh38, chr5:112,838,304, plus strand): 5'-GCAGCCCAGATTGCCAAAGTCATGGAAGAAGTGTCAGCCATTCATACCTCTCAGGAAGAC[A>G]GAAGTTCTGGGTCTACCACTGAATTACATTGTGTGACAGATGAGAGAAATGCACTTAGAA-3'
Protein context (NP_000029.2, residues 894-914): VSAIHTSQED[Arg904Gly]SSGSTTELHC